The following is an entry in ClinVar:

NM_182914.3(SYNE2):c.644C>T (p.Ala215Val)

Gene: SYNE2 (spectrin repeat containing nuclear envelope protein 2; plus strand). Cytogenetic location: 14q23.2.
Variant type: single nucleotide variant.
Coding change: c.644C>T on transcript NM_182914.3 (MANE Select); coding-DNA position 644, C replaced by T.
Protein change: p.Ala215Val; replaces alanine 215 with valine.
Molecular consequence: missense variant.
Genome position (GRCh38, 1-based): chr14:63,954,772, C>T. VCF-style: chr14-63954772-C-T. GRCh37 (hg19) VCF-style: chr14-64421490-C-T.
Other names: c.644C>T, p.Ala215Val (NM_015180.6); short protein forms A215V.
Identifiers: ClinVar variation 1997966 (VCV001997966.4), dbSNP rs2096219581, ClinGen allele CA389942120.

ClinVar aggregate classification (germline): Uncertain significance (1 of 4 stars; one submission).

Conditions:
Emery-Dreifuss muscular dystrophy 5, autosomal dominant (EDMD5). Also called: EMERY-DREIFUSS MUSCULAR DYSTROPHY 5. Identifiers: Orphanet 261, MedGen C2751805, MONDO:0013072, OMIM 612999.

Submission:

Labcorp Genetics (formerly Invitae), Labcorp
Classification: Uncertain significance for Emery-Dreifuss muscular dystrophy 5, autosomal dominant. Last evaluated: 2022-11-08. Review status: criteria provided, single submitter. Criteria: Invitae Variant Classification Sherloc (09022015). Collection method: clinical testing. Allele origin: germline.
Comment: In summary, the available evidence is currently insufficient to determine the role of this variant in disease. Therefore, it has been classified as a Variant of Uncertain Significance. Algorithms developed to predict the effect of missense changes on protein structure and function are either unavailable or do not agree on the potential impact of this missense change (SIFT: "Tolerated"; PolyPhen-2: "Probably Damaging"; Align-GVGD: "Class C0"). This variant has not been reported in the literature in individuals affected with SYNE2-related conditions. This variant is not present in population databases (gnomAD no frequency). This sequence change replaces alanine, which is neutral and non-polar, with valine, which is neutral and non-polar, at codon 215 of the SYNE2 protein (p.Ala215Val).